The following is an entry in ClinVar:

NM_021625.5(TRPV4):c.549G>C (p.Glu183Asp)

Gene: TRPV4 (transient receptor potential cation channel subfamily V member 4; minus strand). Cytogenetic location: 12q24.11.
Variant type: single nucleotide variant.
Coding change: c.549G>C on transcript NM_021625.5 (MANE Select); coding-DNA position 549, G replaced by C.
Protein change: p.Glu183Asp; replaces glutamic acid 183 with aspartic acid.
Molecular consequence: missense variant.
Genome position (GRCh38, 1-based): chr12:109,808,306, C>G on the plus strand (G>C on the coding strand, the complement: TRPV4 is on the minus strand). VCF-style: chr12-109808306-C-G. GRCh37 (hg19) VCF-style: chr12-110246111-C-G.
Other names: c.549G>C, p.Glu183Asp (NM_001177428.2, NM_001177433.2, NM_147204.3); c.447G>C, p.Glu149Asp (NM_001177431.2); short protein forms E183D, E149D.
Identifiers: ClinVar variation 155753 (VCV000155753.4), dbSNP rs141908793, ClinGen allele CA233121.

ClinVar aggregate classification (germline): Benign. Review status: criteria provided, single submitter (1 of 4 stars). 3 submissions from 3 submitters: Benign (1). 2 of the submissions do not count toward it. Last evaluated 2019-05-28.

Conditions:
Charcot-Marie-Tooth disease. Also called: Charcot-Marie-Tooth Neuropathy; Charcot-Marie-Tooth Hereditary Neuropathy. Identifiers: Orphanet 166, MedGen C0007959, MONDO:0015626.
Charcot-Marie-Tooth disease axonal type 2C (HMSN2C). Also called: CHARCOT-MARIE-TOOTH DISEASE, AXONAL, AUTOSOMAL DOMINANT, TYPE 2C; Charcot-Marie-Tooth Neuropathy Type 2C; Charcot-Marie-Tooth Disease Type 2, TRPV4-Related (CMT2C). Identifiers: Orphanet 99937, MedGen C1853710, MONDO:0011633, OMIM 606071.

gnomAD v4.1: 1 of 1,614,194 alleles (0.000062%); highest among the groups gnomAD compares: Non-Finnish European, 0.000085%; no homozygotes.

Submissions (3):

Mendelics
Classification: Benign for Charcot-Marie-Tooth disease axonal type 2C. Last evaluated: 2019-05-28. Review status: criteria provided, single submitter. Criteria: Mendelics Assertion Criteria 2017. Collection method: clinical testing. Allele origin: unknown.

Inherited Neuropathy Consortium
Classification: Uncertain significance for Charcot-Marie-Tooth disease. Review status: no assertion criteria provided. Collection method: literature only. Allele origin: germline. Affected: yes. Not counted in ClinVar's aggregate classification.

Northcott Neuroscience Laboratory, ANZAC Research Institute
Classification: Likely benign. Review status: no assertion criteria provided. Collection method: not provided. Allele origin: germline. Not counted in ClinVar's aggregate classification.
Comment: Family N
ClinVar note: Converted during submission from probable-non-pathogenic to Likely benign.

Literature cited by the submitters: PubMed 25802885 (cited by Inherited Neuropathy Consortium).